The following is an entry in ClinVar:

ClinVar aggregate classification (germline): Uncertain significance. Review status: criteria provided, multiple submitters, no conflicts (2 of 4 stars). 2 submissions from 2 submitters: Uncertain significance (2). Last evaluated 2026-07-02.

Conditions:
Tuberous sclerosis syndrome (TSC). Also called: Tuberous Sclerosis Complex; Tuberous sclerosis. Identifiers: Orphanet 805, MedGen C0041341, MONDO:0001734.
Hereditary cancer-predisposing syndrome. Also called: Tumor predisposition; Hereditary Cancer Syndrome; Hereditary neoplastic syndrome; Neoplastic Syndromes, Hereditary. Identifiers: Orphanet 140162, MedGen C0027672, MeSH D009386, MONDO:0015356.

Submissions (2):

Ambry Genetics
Classification: Uncertain significance for Hereditary cancer-predisposing syndrome. Last evaluated: 2026-07-02. Review status: criteria provided, single submitter. Criteria: Ambry Variant Classification Scheme 2023. Collection method: clinical testing. Allele origin: germline.
Comment: The p.T267P variant (also known as c.799A>C), located in coding exon 7 of the TSC1 gene, results from an A to C substitution at nucleotide position 799. The threonine at codon 267 is replaced by proline, an amino acid with highly similar properties. This amino acid position is conserved. In addition, the in silico prediction for this alteration is inconclusive. Based on the available evidence, the clinical significance of this variant remains unclear.

All of Us Research Program, National Institutes of Health
Classification: Uncertain significance for Tuberous sclerosis syndrome. Last evaluated: 2024-08-23. Review status: criteria provided, single submitter. Criteria: ACMG Guidelines, 2015. Collection method: clinical testing. Allele origin: germline. Inheritance: Autosomal dominant inheritance. Observed: 1 variant allele, 1 heterozygote.
Comment: This missense variant replaces threonine with proline at codon 267 of the TSC1 protein. Computational prediction suggests that this variant may not impact protein structure and function (internally defined REVEL score threshold <= 0.5, PMID: 27666373). To our knowledge, functional studies have not been reported for this variant. This variant has not been reported in individuals affected with TSC1-related disorders in the literature. This variant has not been identified in the general population by the Genome Aggregation Database (gnomAD). The available evidence is insufficient to determine the role of this variant in disease conclusively. Therefore, this variant is classified as a Variant of Uncertain Significance.

This study involves interpretation of variants in research participants for the purpose of population health screening. Participant phenotype was not available at the time of variant classification. Additional details can be found in publication PMID: 35346344, PMCID: PMC8962531

NM_000368.5(TSC1):c.799A>C (p.Thr267Pro)

Gene: TSC1 (TSC complex subunit 1; minus strand). Cytogenetic location: 9q34.13.
Variant type: single nucleotide variant.
Coding change: c.799A>C on transcript NM_000368.5 (MANE Select); coding-DNA position 799, A replaced by C.
Protein change: p.Thr267Pro; replaces threonine 267 with proline.
Molecular consequence: missense variant. On other transcripts: 5 prime UTR variant (5), non-coding transcript variant (5).
Genome position (GRCh38, 1-based): chr9:132,912,396, T>G on the plus strand (A>C on the coding strand, the complement: TSC1 is on the minus strand). VCF-style: chr9-132912396-T-G. GRCh37 (hg19) VCF-style: chr9-135787783-T-G.
Other names: c.799A>C, p.Thr267Pro (NM_001406607.1, NM_001406608.1, NM_001406609.1 and 16 more transcripts); c.646A>C, p.Thr216Pro (NM_001406610.1, NM_001406611.1, NM_001406612.1 and 2 more transcripts); c.436A>C, p.Thr146Pro (NM_001406614.1, NM_001406615.1, NM_001406616.1 and 10 more transcripts); c.-153A>C (NM_001406626.1, NM_001406627.1, NM_001406628.1); c.-295A>C (NM_001406629.1, NM_001406630.1); short protein forms T146P, T216P, T267P.
Identifiers: ClinVar variation 3386149 (VCV003386149.2).